The following is an entry in ClinVar:

ClinVar aggregate classification (germline): Uncertain significance. Review status: criteria provided, multiple submitters, no conflicts (2 of 4 stars). 2 submissions from 2 submitters: Uncertain significance (2). Last evaluated 2023-02-05.

Conditions:
Cardiovascular phenotype. Identifiers: MedGen CN230736.

gnomAD v4.1: 15 of 1,549,684 alleles (0.00097%); highest among the groups gnomAD compares: Non-Finnish European, 0.0013%; no homozygotes.

Submissions (2):

Ambry Genetics
Classification: Uncertain significance for Cardiovascular phenotype. Last evaluated: 2023-02-05. Review status: criteria provided, single submitter. Criteria: Ambry Variant Classification Scheme 2023. Collection method: clinical testing. Allele origin: germline.
Comment: The p.P588L variant (also known as c.1763C>T), located in coding exon 1 of the ZNF469 gene, results from a C to T substitution at nucleotide position 1763. The proline at codon 588 is replaced by leucine, an amino acid with similar properties. This amino acid position is conserved. In addition, this alteration is predicted to be tolerated by in silico analysis. Since supporting evidence is limited at this time, the clinical significance of this alteration remains unclear.

GeneDx
Classification: Uncertain significance. Last evaluated: 2022-08-10. Review status: criteria provided, single submitter. Criteria: GeneDx Variant Classification Process June 2021. Collection method: clinical testing. Allele origin: germline. Affected: yes.
Comment: Not observed at significant frequency in large population cohorts (gnomAD); In silico analysis supports that this missense variant has a deleterious effect on protein structure/function; Has not been previously published as pathogenic or benign to our knowledge

NM_001367624.2(ZNF469):c.1763C>T (p.Pro588Leu)

Gene: ZNF469 (zinc finger protein 469; plus strand). Cytogenetic location: 16q24.2.
Variant type: single nucleotide variant.
Coding change: c.1763C>T on transcript NM_001367624.2 (MANE Select); coding-DNA position 1763, C replaced by T.
Protein change: p.Pro588Leu; replaces proline 588 with leucine.
Molecular consequence: missense variant.
Genome position (GRCh38, 1-based): chr16:88,429,233, C>T. VCF-style: chr16-88429233-C-T. GRCh37 (hg19) VCF-style: chr16-88495641-C-T.
Other names: NM_001127464.1:c.1763C>T; short protein forms P588L.
Identifiers: ClinVar variation 2429636 (VCV002429636.3), dbSNP rs916979861, ClinGen allele CA286373043.